The following is an entry in ClinVar:

ClinVar aggregate classification (germline): Likely benign. Review status: criteria provided, single submitter (1 of 4 stars). 2 submissions from 2 submitters: Likely benign (1). 1 of the submissions does not count toward it. Last evaluated 2024-08-02.

Conditions:
LSS-related disorder. Also called: LSS-related condition.

Allele frequency attached by ClinVar (database versions not stated): gnomAD exomes 0.00004; ExAC 0.00015; ESP Exome Variant Server 0.00054.
gnomAD v4.1: 107 of 1,613,380 alleles (0.0066%); highest among the groups gnomAD compares: African/African-American, 0.1%; no homozygotes.

Submissions (2):

Labcorp Genetics (formerly Invitae), Labcorp
Classification: Likely benign. Last evaluated: 2024-08-02. Review status: criteria provided, single submitter. Criteria: Invitae Variant Classification Sherloc (09022015). Collection method: clinical testing. Allele origin: germline.

PreventionGenetics, part of Exact Sciences
Classification: Likely benign for LSS-related condition. Last evaluated: 2021-01-13. Review status: no assertion criteria provided. Collection method: clinical testing. Allele origin: germline. Not counted in ClinVar's aggregate classification.
Comment: This variant is classified as likely benign based on ACMG/AMP sequence variant interpretation guidelines (Richards et al. 2015 PMID: 25741868, with internal and published modifications).

NM_002340.6(LSS):c.1983C>T (p.Ala661=)

Gene: LSS (lanosterol synthase; minus strand). Cytogenetic location: 21q22.3.
Variant type: single nucleotide variant.
Coding change: c.1983C>T on transcript NM_002340.6 (MANE Select); coding-DNA position 1983, C replaced by T.
Protein change: p.Ala661=; no amino-acid change (alanine 661 retained).
Molecular consequence: synonymous variant.
Genome position (GRCh38, 1-based): chr21:46,194,496, G>A on the plus strand (C>T on the coding strand, the complement: LSS is on the minus strand). VCF-style: chr21-46194496-G-A. GRCh37 (hg19) VCF-style: chr21-47614410-G-A.
Other names: c.1983C>T, p.Ala661= (NM_001001438.3); c.1950C>T, p.Ala650= (NM_001145436.2); c.1743C>T, p.Ala581= (NM_001145437.2).
Identifiers: ClinVar variation 3031482 (VCV003031482.4), dbSNP rs146078696, ClinGen allele CA10074791.